The following is an entry in ClinVar:

ClinVar aggregate classification (germline): Uncertain significance (1 of 4 stars; one submission).

Conditions:
Stormorken syndrome (STRMK). Also called: THROMBOCYTOPATHY, ASPLENIA, AND MIOSIS. Identifiers: Orphanet 3204, MedGen C1861451, MONDO:0008497, OMIM 185070.
Myopathy with tubular aggregates (TAM). Also called: Tubular Aggregate Myopathy. Identifiers: Orphanet 2593, MedGen C0410207, MONDO:0008051.
Combined immunodeficiency due to STIM1 deficiency. Also called: IMMUNODEFICIENCY 10; STIM1 DEFICIENCY. Identifiers: Orphanet 169090, Orphanet 317430, MedGen C2748557, MONDO:0013008, OMIM 612783.

Allele frequency attached by ClinVar (database versions not stated): gnomAD exomes below 0.00001.
gnomAD v4.1: 1 of 1,614,154 alleles (0.000062%); highest among the groups gnomAD compares: Admixed American, 0.0017%; no homozygotes.

Submission:

Labcorp Genetics (formerly Invitae), Labcorp
Classification: Uncertain significance for Myopathy with tubular aggregates; Combined immunodeficiency due to STIM1 deficiency; Stormorken syndrome. Last evaluated: 2022-03-12. Review status: criteria provided, single submitter. Criteria: Invitae Variant Classification Sherloc (09022015). Collection method: clinical testing. Allele origin: germline.
Comment: In summary, the available evidence is currently insufficient to determine the role of this variant in disease. Therefore, it has been classified as a Variant of Uncertain Significance. Algorithms developed to predict the effect of missense changes on protein structure and function (SIFT, PolyPhen-2, Align-GVGD) all suggest that this variant is likely to be disruptive. This variant has not been reported in the literature in individuals affected with STIM1-related conditions. This variant is present in population databases (rs200631910, gnomAD 0.003%). This sequence change replaces glutamic acid, which is acidic and polar, with glycine, which is neutral and non-polar, at codon 255 of the STIM1 protein (p.Glu255Gly).

NM_001382567.1(STIM1):c.764A>G (p.Glu255Gly)

Gene: STIM1 (stromal interaction molecule 1; plus strand). Cytogenetic location: 11p15.4.
Variant type: single nucleotide variant.
Coding change: c.764A>G on transcript NM_001382567.1 (MANE Select); coding-DNA position 764, A replaced by G.
Protein change: p.Glu255Gly; replaces glutamic acid 255 with glycine.
Molecular consequence: missense variant. On other transcripts: non-coding transcript variant (2).
Genome position (GRCh38, 1-based): chr11:4,070,176, A>G. VCF-style: chr11-4070176-A-G. GRCh37 (hg19) VCF-style: chr11-4091406-A-G.
Other names: c.764A>G, p.Glu255Gly (NM_001277961.3, NM_001277962.2, NM_001382568.1 and 2 more transcripts); c.542A>G, p.Glu181Gly (NM_001382566.1, NM_001382573.1, NM_001382574.1 and 5 more transcripts); c.629A>G, p.Glu210Gly (NM_001382569.1); c.536A>G, p.Glu179Gly (NM_001382570.1); c.284A>G, p.Glu95Gly (NM_001382571.1); c.275A>G, p.Glu92Gly (NM_001382580.1, NM_001382581.1); short protein forms E179G, E210G, E95G, E181G, E255G, E92G.
Identifiers: ClinVar variation 2109691 (VCV002109691.4), dbSNP rs200631910, ClinGen allele CA216525112.